The following is an entry in ClinVar:

NM_000214.3(JAG1):c.133G>T (p.Val45Leu)

Gene: JAG1 (jagged canonical Notch ligand 1; minus strand). Cytogenetic location: 20p12.2.
Variant type: single nucleotide variant.
Coding change: c.133G>T on transcript NM_000214.3 (MANE Select); coding-DNA position 133, G replaced by T.
Protein change: p.Val45Leu; replaces valine 45 with leucine.
Molecular consequence: missense variant.
Genome position (GRCh38, 1-based): chr20:10,672,955, C>A on the plus strand (G>T on the coding strand, the complement: JAG1 is on the minus strand). VCF-style: chr20-10672955-C-A. GRCh37 (hg19) VCF-style: chr20-10653603-C-A.
Other names: c.133G>T, p.Val45Leu (LRG_1191t1); short protein forms V45L.
Identifiers: ClinVar variation 337761 (VCV000337761.29), dbSNP rs183974372, ClinGen allele CA9765209.

ClinVar aggregate classification (germline): Conflicting classifications of pathogenicity. Review status: criteria provided, conflicting classifications (1 of 4 stars). 8 submissions from 8 submitters: Uncertain significance (1); Benign (2); Likely benign (5). Last evaluated 2026-06-17.

Conditions:
Isolated Nonsyndromic Congenital Heart Disease.
Cardiovascular phenotype. Identifiers: MedGen CN230736.
JAG1-related disorder. Also called: JAG1-related condition; JAG1-related disorders.
Alagille syndrome due to a JAG1 point mutation. Also called: Alagille Syndrome 1; HEPATIC DUCTULAR HYPOPLASIA, SYNDROMATIC; JAG1-Related Alagille Syndrome. Identifiers: Orphanet 261619, Orphanet 52, MedGen C1956125, MONDO:0016862, OMIM 118450.

Allele frequency attached by ClinVar (database versions not stated): gnomAD 0.00054; TOPMed 0.00064; 1000 Genomes Project 30x 0.00203; 1000 Genomes Project 0.00220.

Submissions (8):

PreventionGenetics, part of Exact Sciences
Classification: Likely benign for JAG1-related condition. Last evaluated: 2026-06-17. Review status: criteria provided, single submitter. Criteria: ACMG Guidelines, 2015. Collection method: clinical testing. Allele origin: germline.
Comment: This variant is classified as likely benign based on ACMG/AMP sequence variant interpretation guidelines (Richards et al. 2015 PMID: 25741868, with internal and published modifications).

Labcorp Genetics (formerly Invitae), Labcorp
Classification: Benign for Alagille syndrome due to a JAG1 point mutation. Last evaluated: 2026-01-22. Review status: criteria provided, single submitter. Criteria: Invitae Variant Classification Sherloc (09022015). Collection method: clinical testing. Allele origin: germline.

Blueprint Genetics
Classification: Likely benign. Last evaluated: 2024-10-14. Review status: criteria provided, single submitter. Criteria: ACMG Guidelines, 2015. Collection method: clinical testing. Allele origin: germline.

GeneDx
Classification: Likely benign. Last evaluated: 2018-07-27. Review status: criteria provided, single submitter. Criteria: GeneDx Variant Classification Process June 2021. Collection method: clinical testing. Allele origin: germline. Affected: yes.
Comment: This variant is associated with the following publications: (PMID: 31180159, 29707407, 30074189, 12297837, 20706826)

Baylor Genetics
Classification: Uncertain significance for Alagille syndrome due to a JAG1 point mutation. Last evaluated: 2018-01-09. Review status: criteria provided, single submitter. Criteria: ACMG Guidelines, 2015. Collection method: clinical testing. Allele origin: paternal. Affected: yes.
Comment: This variant was determined to be of uncertain significance according to ACMG Guidelines, 2015 [PMID:25741868].

Eurofins Ntd Llc (ga)
Classification: Benign. Last evaluated: 2017-06-21. Review status: criteria provided, single submitter. Criteria: EGL Classification Definitions 2015. Collection method: clinical testing. Allele origin: germline. Observed: 1 variant allele, 1 heterozygote.

Illumina Laboratory Services, Illumina
Classification: Likely benign for Isolated Nonsyndromic Congenital Heart Disease. Last evaluated: 2017-04-27. Review status: criteria provided, single submitter. Criteria: ICSL Variant Classification Criteria 13 December 2019. Collection method: clinical testing. Allele origin: germline.
Comment: This variant was observed as part of a predisposition screen in an ostensibly healthy population. A literature search was performed for the gene, cDNA change, and amino acid change (where applicable). No publications were found based on this search. Allele frequency data from public databases allowed determination this variant is unlikely to cause disease. Therefore, this variant is classified as likely benign.

Ambry Genetics
Classification: Likely benign for Cardiovascular phenotype. Last evaluated: 2016-06-24. Review status: criteria provided, single submitter. Criteria: Ambry Variant Classification Scheme 2023. Collection method: clinical testing. Allele origin: germline.